The following is an entry in ClinVar:

ClinVar aggregate classification (germline): Uncertain significance (1 of 4 stars; one submission).

Conditions:
Dyskeratosis congenita. Identifiers: Orphanet 1775, MedGen C0265965, MONDO:0015780.

Allele frequency attached by ClinVar (database versions not stated): gnomAD exomes below 0.00001.
gnomAD v4.1: 1 of 1,204,450 alleles (0.000083%); highest among the groups gnomAD compares: Non-Finnish European, 0.00011%; no homozygotes.

Submission:

Ambry Genetics
Classification: Uncertain significance for Dyskeratosis congenita. Last evaluated: 2017-09-14. Review status: criteria provided, single submitter. Criteria: Ambry Variant Classification Scheme 2023. Collection method: clinical testing. Allele origin: germline.
Comment: The p.F59S variant (also known as c.176T>C), located in coding exon 4 of the DKC1 gene, results from a T to C substitution at nucleotide position 176. The phenylalanine at codon 59 is replaced by serine, an amino acid with highly dissimilar properties. This amino acid position is highly conserved in available vertebrate species. In addition, this alteration is predicted to be deleterious by in silico analysis. Since supporting evidence is limited at this time, the clinical significance of this alteration remains unclear.

NM_001363.5(DKC1):c.176T>C (p.Phe59Ser)

Gene: DKC1 (dyskerin pseudouridine synthase 1; plus strand). Cytogenetic location: Xq28.
Variant type: single nucleotide variant.
Coding change: c.176T>C on transcript NM_001363.5 (MANE Select); coding-DNA position 176, T replaced by C.
Protein change: p.Phe59Ser; replaces phenylalanine 59 with serine.
Molecular consequence: missense variant. On other transcripts: non-coding transcript variant (3).
Genome position (GRCh38, 1-based): chrX:154,765,911, T>C. VCF-style: chrX-154765911-T-C. GRCh37 (hg19) VCF-style: chrX-153994186-T-C.
Other names: c.176T>C, p.Phe59Ser (NM_001142463.3, NM_001288747.2); short protein forms F59S.
Identifiers: ClinVar variation 1779774 (VCV001779774.2), dbSNP rs2523680390, ClinGen allele CA414889316.
Genomic context (GRCh38, chrX:154,765,911, plus strand): 5'-TTTTACATGTGCTCACGACATGGTATTTTGTTTTGTGTTGTGTCGTTGCTTTGTAGAATT[T>C]TGATAAGCTGAATGTAAGGACAACACACTATACACCTCTTGCATGTGGTTCAAATCCTCT-3'
Protein context (NP_001354.1, residues 49-69): TSQWPLLLKN[Phe59Ser]DKLNVRTTHY